The following is an entry in ClinVar:

ClinVar aggregate classification (germline): Uncertain significance (1 of 4 stars; one submission).

Submission:

Labcorp Genetics (formerly Invitae), Labcorp
Classification: Uncertain significance. Last evaluated: 2022-06-05. Review status: criteria provided, single submitter. Criteria: Invitae Variant Classification Sherloc (09022015). Collection method: clinical testing. Allele origin: germline.
Comment: This variant is not present in population databases (gnomAD no frequency). This variant has not been reported in the literature in individuals affected with ADGRA3-related conditions. ClinVar contains an entry for this variant (Variation ID: 1421616). Experimental studies and prediction algorithms are not available or were not evaluated, and the functional significance of this variant is currently unknown. In summary, the available evidence is currently insufficient to determine the role of this variant in disease. Therefore, it has been classified as a Variant of Uncertain Significance. This variant, c.1311_1316del, results in the deletion of 2 amino acid(s) of the ADGRA3 protein (p.Val438_Ala439del), but otherwise preserves the integrity of the reading frame.

NM_145290.4(ADGRA3):c.1311_1316del (p.Val438_Ala439del)

Gene: ADGRA3 (adhesion G protein-coupled receptor A3; minus strand). Cytogenetic location: 4p15.2.
Variant type: Deletion.
Coding change: c.1311_1316del on transcript NM_145290.4 (MANE Select); coding-DNA positions 1311 to 1316, 6 bases deleted (CGTGGC; older notation c.1311_1316delCGTGGC).
Protein change: p.Val438_Ala439del.
Molecular consequence: inframe deletion.
Genome position (GRCh38, 1-based): chr4:22,435,438-22,435,443, GCCACG deleted on the plus strand (CGTGGC on the coding strand, the reverse complement: ADGRA3 is on the minus strand); deleting any 6 consecutive bases within chr4:22,435,438-22,435,445 gives the same sequence; the c. name uses the placement nearest the transcript's 3' end. VCF-style (leftmost placement, unchanged base first): chr4-22435437-TGCCACG-T. GRCh37 (hg19) VCF-style: chr4-22437060-TGCCACG-T.
Identifiers: ClinVar variation 1421616 (VCV001421616.6), dbSNP rs2109060423, ClinGen allele CA2573137651.